The following is an entry in ClinVar:

ClinVar aggregate classification (germline): Conflicting classifications of pathogenicity. Review status: criteria provided, conflicting classifications (1 of 4 stars). 3 submissions from 3 submitters: Uncertain significance (2); Likely benign (1). Last evaluated 2025-08-07.

Conditions:
Autosomal dominant nonsyndromic hearing loss 17. Also called: Autosomal dominant nonsyndromic deafness 17; Deafness, autosomal dominant 17. Identifiers: Orphanet 90635, MedGen C1863659, MONDO:0011350, OMIM 603622.
Macrothrombocytopenia and granulocyte inclusions with or without nephritis or sensorineural hearing loss (MATINS). Also called: MYH9-Related Disease (MYH9-RD); BLEEDING DISORDER, PLATELET-TYPE, 6; MAY-HEGGLIN ANOMALY; SEBASTIAN PLATELET SYNDROME; MACROTHROMBOCYTOPENIA WITH DISPERSED LEUKOCYTIC INCLUSIONS; MACROTHROMBOCYTOPENIA, NEPHRITIS, AND DEAFNESS. Identifiers: Orphanet 182050, MedGen C5200934, MONDO:0015912, OMIM 155100.

Allele frequency attached by ClinVar (database versions not stated): TOPMed 0.00003; gnomAD 0.00004; gnomAD exomes 0.00005 and 0.00007; ESP Exome Variant Server 0.00008; ExAC 0.00012.
gnomAD v4.1: 73 of 1,614,020 alleles (0.0045%); highest among the groups gnomAD compares: South Asian, 0.0066%; no homozygotes.

Submissions (3):

Labcorp Genetics (formerly Invitae), Labcorp
Classification: Uncertain significance. Last evaluated: 2025-08-07. Review status: criteria provided, single submitter. Criteria: Invitae Variant Classification Sherloc (09022015). Collection method: clinical testing. Allele origin: germline.
Comment: This sequence change replaces valine, which is neutral and non-polar, with isoleucine, which is neutral and non-polar, at codon 353 of the MYH9 protein (p.Val353Ile). This variant is present in population databases (rs375702969, gnomAD 0.01%). This variant has not been reported in the literature in individuals affected with MYH9-related conditions. ClinVar contains an entry for this variant (Variation ID: 1188079). Invitae Evidence Modeling of protein sequence and biophysical properties (such as structural, functional, and spatial information, amino acid conservation, physicochemical variation, residue mobility, and thermodynamic stability) indicates that this missense variant is not expected to disrupt MYH9 protein function with a negative predictive value of 95%. In summary, the available evidence is currently insufficient to determine the role of this variant in disease. Therefore, it has been classified as a Variant of Uncertain Significance.

Fulgent Genetics
Classification: Uncertain significance for Macrothrombocytopenia and granulocyte inclusions with or without nephritis or sensorineural hearing loss; Autosomal dominant nonsyndromic hearing loss 17. Last evaluated: 2023-12-29. Review status: criteria provided, single submitter. Criteria: ACMG Guidelines, 2015. Collection method: clinical testing. Allele origin: germline.

GeneDx
Classification: Likely benign. Last evaluated: 2020-03-19. Review status: criteria provided, single submitter. Criteria: GeneDx Variant Classification Process June 2021. Collection method: clinical testing. Allele origin: germline. Affected: yes.
Comment: In silico analysis, which includes protein predictors and evolutionary conservation, supports that this variant does not alter protein structure/function; Has not been previously published as pathogenic or benign to our knowledge; This variant is associated with the following publications: (PMID: 31981491)

NM_002473.6(MYH9):c.1057G>A (p.Val353Ile)

Gene: MYH9 (myosin heavy chain 9; minus strand). Cytogenetic location: 22q12.3.
Variant type: single nucleotide variant.
Coding change: c.1057G>A on transcript NM_002473.6 (MANE Select); coding-DNA position 1057, G replaced by A.
Protein change: p.Val353Ile; replaces valine 353 with isoleucine.
Molecular consequence: missense variant.
Genome position (GRCh38, 1-based): chr22:36,319,591, C>T on the plus strand (G>A on the coding strand, the complement: MYH9 is on the minus strand). VCF-style: chr22-36319591-C-T. GRCh37 (hg19) VCF-style: chr22-36715636-C-T.
Other names: short protein forms V353I.
Identifiers: ClinVar variation 1188079 (VCV001188079.8), dbSNP rs375702969, ClinGen allele CA10210395.